The following is an entry in ClinVar:

ClinVar aggregate classification (germline): Likely pathogenic (1 of 4 stars; one submission).

Conditions:
Usher syndrome type 2A. Also called: RETINAL DISEASE IN USHER SYNDROME TYPE IIA, MODIFIER OF; USHER SYNDROME, TYPE IIA. Identifiers: Orphanet 231178, Orphanet 886, MedGen C1848634, MONDO:0010169, OMIM 276901.

Submission:

Myriad Genetics, Inc.
Classification: Likely pathogenic for Usher syndrome type 2A. Last evaluated: 2022-03-04. Review status: criteria provided, single submitter. Criteria: Myriad Women's Health Autosomal Recessive and X-Linked Classification Criteria (2021). Collection method: clinical testing. Allele origin: unknown.
Comment: NM_206933.2(USH2A):c.13447G>T(G4483*) is expected to be pathogenic in the context of USH2A-related disorders. This variant is predicted to lead to an abnormal or absent protein product due to the creation of a premature termination codon in USH2A, a gene where loss-of-function variants are known to be pathogenic. Please note: this variant was assessed in the context of healthy population screening.

NM_206933.4(USH2A):c.13447G>T (p.Gly4483Ter)

Gene: USH2A (usherin; minus strand). Cytogenetic location: 1q41.
Variant type: single nucleotide variant.
Coding change: c.13447G>T on transcript NM_206933.4 (MANE Select); coding-DNA position 13447, G replaced by T.
Protein change: p.Gly4483Ter; replaces glycine 4483 with a stop codon.
Molecular consequence: nonsense.
Genome position (GRCh38, 1-based): chr1:215,674,464, C>A on the plus strand (G>T on the coding strand, the complement: USH2A is on the minus strand). VCF-style: chr1-215674464-C-A. GRCh37 (hg19) VCF-style: chr1-215847806-C-A.
Other names: short protein forms G4483*.
Identifiers: ClinVar variation 1725000 (VCV001725000.2), dbSNP rs774714334, ClinGen allele CA344845181.